The following is an entry in ClinVar:

ClinVar aggregate classification (germline): Conflicting classifications of pathogenicity. Review status: criteria provided, conflicting classifications (1 of 4 stars). 3 submissions from 2 submitters: Uncertain significance (2); Benign (1). Last evaluated 2025-05-29.

Conditions:
Renal tubular dysgenesis. Also called: Renotubular dysgenesis. Identifiers: Orphanet 3033, MedGen C0266313, MONDO:0017609, HP:0008660.
Familial juvenile hyperuricemic nephropathy type 2 (ADTKD4). Also called: EARLY-ONSET HYPERURICEMIA, ANEMIA, AND PROGRESSIVE KIDNEY FAILURE; Autosomal Dominant Tubulointerstitial Kidney Disease – REN. Identifiers: Orphanet 217330, MedGen C2751310, MONDO:0013128, OMIM 613092.

Allele frequency attached by ClinVar (database versions not stated): gnomAD below 0.00001 and 0.00001; TOPMed 0.00001; gnomAD exomes 0.00005 and 0.00009; ExAC 0.00008.
gnomAD v4.1: 74 of 1,613,872 alleles (0.0046%); highest among the groups gnomAD compares: South Asian, 0.06%; no homozygotes.

Submissions (3):

Labcorp Genetics (formerly Invitae), Labcorp
Classification: Uncertain significance. Last evaluated: 2025-05-29. Review status: criteria provided, single submitter. Criteria: Invitae Variant Classification Sherloc (09022015). Collection method: clinical testing. Allele origin: germline.
Comment: This sequence change replaces serine, which is neutral and polar, with leucine, which is neutral and non-polar, at codon 133 of the REN protein (p.Ser133Leu). This variant is present in population databases (rs756122840, gnomAD 0.06%). This variant has not been reported in the literature in individuals affected with REN-related conditions. ClinVar contains an entry for this variant (Variation ID: 294960). Invitae Evidence Modeling of protein sequence and biophysical properties (such as structural, functional, and spatial information, amino acid conservation, physicochemical variation, residue mobility, and thermodynamic stability) indicates that this missense variant is not expected to disrupt REN protein function with a negative predictive value of 80%. Algorithms developed to predict the effect of sequence changes on RNA splicing suggest that this variant may create or strengthen a splice site. In summary, the available evidence is currently insufficient to determine the role of this variant in disease. Therefore, it has been classified as a Variant of Uncertain Significance.

Illumina Laboratory Services, Illumina
Classification: Benign for Familial juvenile hyperuricemic nephropathy type 2. Last evaluated: 2018-01-13. Review status: criteria provided, single submitter. Criteria: ICSL Variant Classification Criteria 13 December 2019. Collection method: clinical testing. Allele origin: germline.
Comment: This variant was observed in the ICSL laboratory as part of a predisposition screen in an ostensibly healthy population. It had not been previously curated by ICSL or reported in the Human Gene Mutation Database (HGMD: prior to June 1st, 2018), and was therefore a candidate for classification through an automated scoring system. Utilizing variant allele frequency, disease prevalence and penetrance estimates, and inheritance mode, an automated score was calculated to assess if this variant is too frequent to cause the disease. Based on the score and internal cut-off values, a variant classified as benign is not then subjected to further curation. The score for this variant resulted in a classification of benign for this disease.

Illumina Laboratory Services, Illumina
Classification: Uncertain significance for Renal tubular dysgenesis of genetic origin. Last evaluated: 2018-01-13. Review status: criteria provided, single submitter. Criteria: ICSL Variant Classification Criteria 13 December 2019. Collection method: clinical testing. Allele origin: germline.

NM_000537.4(REN):c.398C>T (p.Ser133Leu)

Gene: REN (renin; minus strand). Cytogenetic location: 1q32.1.
Variant type: single nucleotide variant.
Coding change: c.398C>T on transcript NM_000537.4 (MANE Select); coding-DNA position 398, C replaced by T.
Protein change: p.Ser133Leu; replaces serine 133 with leucine.
Molecular consequence: missense variant.
Genome position (GRCh38, 1-based): chr1:204,160,654, G>A on the plus strand (C>T on the coding strand, the complement: REN is on the minus strand). VCF-style: chr1-204160654-G-A. GRCh37 (hg19) VCF-style: chr1-204129782-G-A.
Other names: short protein forms S133L.
Identifiers: ClinVar variation 294960 (VCV000294960.7), dbSNP rs756122840, ClinGen allele CA1344947.
Genomic context (GRCh38, chr1:204,160,654, plus strand): 5'-GTCCCTGTTGAATAGCGGAGGGTGAGTTCTGTTCCATTGTGCTTGTAGCTGGAGGAATCC[G>A]AAGCATCGAAGAGCTTGTGATACACTGGCAGGGGGACAGAGGCTCAGGTTTGTCCAAGAG-3'
Protein context (NP_000528.1, residues 123-143): ACVYHKLFDA[Ser133Leu]DSSSYKHNGT